The following is an entry in ClinVar:

NM_000245.4(MET):c.2719C>T (p.Leu907=)

Gene: MET (MET proto-oncogene, receptor tyrosine kinase; plus strand). Cytogenetic location: 7q31.2.
Variant type: single nucleotide variant.
Coding change: c.2719C>T on transcript NM_000245.4 (MANE Select); coding-DNA position 2719, C replaced by T.
Protein change: p.Leu907=; no amino-acid change (leucine 907 retained).
Molecular consequence: synonymous variant.
Genome position (GRCh38, 1-based): chr7:116,769,780, C>T. VCF-style: chr7-116769780-C-T. GRCh37 (hg19) VCF-style: chr7-116409834-C-T.
Other names: c.2773C>T (NM_001127500.1); c.2773C>T, p.Leu925= (NM_001127500.3); c.2719C>T, p.Leu907= (NM_001324401.3); c.1429C>T, p.Leu477= (NM_001324402.2).
Identifiers: ClinVar variation 1102983 (VCV001102983.11), dbSNP rs1237905483, ClinGen allele CA457447475.

ClinVar aggregate classification (germline): Benign/Likely benign. Review status: criteria provided, multiple submitters, no conflicts (2 of 4 stars). 3 submissions from 3 submitters: Benign (1); Likely benign (2). Last evaluated 2024-11-18.

Conditions:
Renal cell carcinoma. Identifiers: Orphanet 217071, MedGen C0007134, MeSH D002292, MONDO:0005086, HP:0005584.
Papillary renal cell carcinoma type 1 (RCCP1). Also called: RENAL CELL CARCINOMA, PAPILLARY, 1, SOMATIC; Renal adenocarcinoma; Renal cell carcinoma 1; Renal cell carcinoma, somatic. Identifiers: Orphanet 47044, MedGen C1336839, OMIM 605074, HP:0011797.
Hereditary cancer-predisposing syndrome. Also called: Tumor predisposition; Neoplastic Syndromes, Hereditary; Hereditary Cancer Syndrome; Hereditary neoplastic syndrome. Identifiers: Orphanet 140162, MedGen C0027672, MeSH D009386, MONDO:0015356.

Allele frequency attached by ClinVar (database versions not stated): gnomAD exomes below 0.00001; TOPMed below 0.00001.

Submissions (3):

Labcorp Genetics (formerly Invitae), Labcorp
Classification: Likely benign for Renal cell carcinoma. Last evaluated: 2024-11-18. Review status: criteria provided, single submitter. Criteria: Invitae Variant Classification Sherloc (09022015). Collection method: clinical testing. Allele origin: germline.

Myriad Genetics, Inc.
Classification: Benign for Papillary renal cell carcinoma type 1. Last evaluated: 2024-11-12. Review status: criteria provided, single submitter. Criteria: Myriad Autosomal Dominant, Autosomal Recessive and X-Linked Classification Criteria (2023). Collection method: clinical testing. Allele origin: unknown.
Comment: This variant is considered benign. This variant is a silent/synonymous amino acid change and it is not expected to impact splicing.

Ambry Genetics
Classification: Likely benign for Hereditary cancer-predisposing syndrome. Last evaluated: 2022-12-17. Review status: criteria provided, single submitter. Criteria: Ambry Variant Classification Scheme 2023. Collection method: clinical testing. Allele origin: germline.